The following is an entry in ClinVar:

NM_002474.3(MYH11):c.3589A>G (p.Met1197Val)

Gene: MYH11 (myosin heavy chain 11; minus strand). Cytogenetic location: 16p13.11.
Variant type: single nucleotide variant.
Coding change: c.3589A>G on transcript NM_002474.3 (MANE Select); coding-DNA position 3589, A replaced by G.
Protein change: p.Met1197Val; replaces methionine 1197 with valine.
Molecular consequence: missense variant.
Genome position (GRCh38, 1-based): chr16:15,732,626, T>C on the plus strand (A>G on the coding strand, the complement: MYH11 is on the minus strand). VCF-style: chr16-15732626-T-C. GRCh37 (hg19) VCF-style: chr16-15826483-T-C.
Other names: c.3610A>G, p.Met1204Val (NM_001040113.2, NM_001040114.2); c.3589A>G, p.Met1197Val (NM_022844.3); short protein forms M1197V, M1204V.
Identifiers: ClinVar variation 3376687 (VCV003376687.1).

ClinVar aggregate classification (germline): Uncertain significance (1 of 4 stars; one submission).

Conditions:
Aortic aneurysm, familial thoracic 4 (AAT4). Also called: AORTIC ANEURYSM/AORTIC DISSECTION AND PATENT DUCTUS ARTERIOSUS. Identifiers: MedGen C1851504, MONDO:0007568, OMIM 132900.

Submission:

Victorian Clinical Genetics Services, Murdoch Childrens Research Institute
Classification: Uncertain significance for Aortic aneurysm, familial thoracic 4. Last evaluated: 2022-02-02. Review status: criteria provided, single submitter. Criteria: ACMG Guidelines, 2015. Collection method: clinical testing. Allele origin: germline. Inheritance: Autosomal dominant inheritance. Affected: yes.
Comment: Based on the classification scheme VCGS_Germline_v1.3.4, this variant is classified as VUS-3B. Following criteria are met: 0102 - Loss of function is a known mechanism of disease in this gene and is associated with megacystis-microcolon-intestinal hypoperistalsis syndrome 2 (MMIHS; MIM#619351). The disease mechanism for chronic intestinal pseudo-obstruction (CIPO), also known as visceral myopathy 2 (MIM#619350), and aortic aneurysm, familial thoracic 4 (AAFT; MIM#132900) is unclear, however loss of function and dominant negative have been suggested, respectively (PMID: 31944481). (I) 0108 - This gene is associated with both recessive and dominant disease. MMIHS is an autosomal recessive form of disease caused by both missense variants and those resulting in a premature termination codon. AAFT is autosomal dominant and has been reported in patients with splice, missense and inframe deletion variants. CIPO is autosomal dominant and has only been reported in patients with protein elongation variants exclusive to isoform SM2 (PMIDs: 31389005, 31944481). (I) 0200 - Variant is predicted to result in a missense amino acid change from methionine to valine. (I) 0251 - This variant is heterozygous. (I) 0301 - Variant is absent from gnomAD (both v2 and v3). (SP) 0502 - Missense variant with conflicting in silico predictions and uninformative conservation. (I) 0600 - Variant is located in the annotated myosin tail 1 (DECIPHER). (I) 0705 - No comparable missense variants have previous evidence for pathogenicity. (I) 0807 - This variant has no previous evidence of pathogenicity. (I) 0905 - No published segregation evidence has been identified for this variant. (I) 1007 - No published functional evidence has been identified for this variant. (I) 1208 - Inheritance information for this variant is not currently available in this individual. (I) Legend: (SP) - Supporting pathogenic, (I) - Information, (SB) - Supporting benign

Literature cited by the submitters: PubMed 31389005; PubMed 31944481.